The following is an entry in ClinVar:

NM_018163.3(DNAJC17):c.452G>A (p.Arg151His)

Gene: DNAJC17 (DnaJ heat shock protein family (Hsp40) member C17; minus strand). Cytogenetic location: 15q15.1.
Variant type: single nucleotide variant.
Coding change: c.452G>A on transcript NM_018163.3 (MANE Select); coding-DNA position 452, G replaced by A.
Protein change: p.Arg151His; replaces arginine 151 with histidine.
Molecular consequence: missense variant.
Genome position (GRCh38, 1-based): chr15:40,776,222, C>T on the plus strand (G>A on the coding strand, the complement: DNAJC17 is on the minus strand). VCF-style: chr15-40776222-C-T. GRCh37 (hg19) VCF-style: chr15-41068420-C-T.
Other names: short protein forms R151H.
Identifiers: ClinVar variation 2903470 (VCV002903470.3), dbSNP rs749785446, ClinGen allele CA7485149.

ClinVar aggregate classification (germline): Uncertain significance (1 of 4 stars; one submission).

gnomAD v4.1: 12 of 1,613,920 alleles (0.00074%); highest among the groups gnomAD compares: African/African-American, 0.0053%; no homozygotes.

Submission:

Labcorp Genetics (formerly Invitae), Labcorp
Classification: Uncertain significance. Last evaluated: 2023-12-27. Review status: criteria provided, single submitter. Criteria: Invitae Variant Classification Sherloc (09022015). Collection method: clinical testing. Allele origin: germline.
Comment: This sequence change replaces arginine, which is basic and polar, with histidine, which is basic and polar, at codon 151 of the DNAJC17 protein (p.Arg151His). This variant is present in population databases (rs749785446, gnomAD 0.006%). This variant has not been reported in the literature in individuals affected with DNAJC17-related conditions. An algorithm developed to predict the effect of missense changes on protein structure and function (PolyPhen-2) suggests that this variant is likely to be tolerated. In summary, the available evidence is currently insufficient to determine the role of this variant in disease. Therefore, it has been classified as a Variant of Uncertain Significance.